The following is an entry in ClinVar:

NM_013247.4(HTRA2):c.-504G>A

Genes: AUP1 (AUP1 lipid droplet regulating VLDL assembly factor; minus strand), HTRA2 (HtrA serine peptidase 2; plus strand). Cytogenetic location: 2p13.1.
Variant type: single nucleotide variant.
Coding change: c.-504G>A on transcript NM_013247.4; 504 bases upstream of the start codon, G replaced by A.
Molecular consequence: intron variant (on NM_181575.5). On other transcripts: non-coding transcript variant (4), 5 prime UTR variant (3).
Genome position (GRCh38, 1-based): chr2:74,529,503, G>A. VCF-style: chr2-74529503-G-A. GRCh37 (hg19) VCF-style: chr2-74756630-G-A.
Other names: c.51-4C>T (NM_181575.5); c.-504G>A (NM_001321727.1, NM_001321728.1, NM_145074.2).
Identifiers: ClinVar variation 896014 (VCV000896014.6), dbSNP rs769713877, ClinGen allele CA1728212.

ClinVar aggregate classification (germline): Likely benign (1 of 4 stars; one submission).

Conditions:
Parkinson disease 13, autosomal dominant, susceptibility to. Identifiers: Orphanet 2828, MedGen C1853202, MONDO:0012466, OMIM 610297.

Allele frequency attached by ClinVar (database versions not stated): gnomAD exomes 0.00004; TOPMed 0.00003; ExAC 0.00010; gnomAD 0.00001.
gnomAD v4.1: 45 of 1,550,148 alleles (0.0029%); highest among the groups gnomAD compares: East Asian, 0.094%; no homozygotes.

Submission:

Illumina Laboratory Services, Illumina
Classification: Likely benign for Parkinson disease 13, autosomal dominant, susceptibility to. Last evaluated: 2018-01-13. Review status: criteria provided, single submitter. Criteria: ICSL Variant Classification Criteria 13 December 2019. Collection method: clinical testing. Allele origin: germline.
Comment: This variant was observed in the ICSL laboratory as part of a predisposition screen in an ostensibly healthy population. It had not been previously curated by ICSL or reported in the Human Gene Mutation Database (HGMD: prior to June 1st, 2018), and was therefore a candidate for classification through an automated scoring system. Utilizing variant allele frequency, disease prevalence and penetrance estimates, and inheritance mode, an automated score was calculated to assess if this variant is too frequent to cause the disease. Based on the score and internal cut-off values, a variant classified as likely benign is not then subjected to further curation. The score for this variant resulted in a classification of likely benign for this disease.